The following is an entry in ClinVar:

NM_001174089.2(SLC4A11):c.1355G>C (p.Ser452Thr)

Gene: SLC4A11 (solute carrier family 4 member 11; minus strand). Cytogenetic location: 20p13.
Variant type: single nucleotide variant.
Coding change: c.1355G>C on transcript NM_001174089.2 (MANE Select); coding-DNA position 1355, G replaced by C.
Protein change: p.Ser452Thr; replaces serine 452 with threonine.
Molecular consequence: missense variant. On other transcripts: non-coding transcript variant (1).
Genome position (GRCh38, 1-based): chr20:3,230,575, C>G on the plus strand (G>C on the coding strand, the complement: SLC4A11 is on the minus strand). VCF-style: chr20-3230575-C-G. GRCh37 (hg19) VCF-style: chr20-3211221-C-G.
Other names: c.1484G>C, p.Ser495Thr (NM_001174090.2); c.1241G>C, p.Ser414Thr (NM_001363745.2); c.1403G>C, p.Ser468Thr (NM_032034.4); c.1403G>C (NM_032034.3); short protein forms S495T, S468T, S414T, S452T.
Identifiers: ClinVar variation 1398933 (VCV001398933.4), dbSNP rs761059922, ClinGen allele CA9741876.

ClinVar aggregate classification (germline): Uncertain significance. Review status: criteria provided, multiple submitters, no conflicts (2 of 4 stars). 2 submissions from 2 submitters: Uncertain significance (2). Last evaluated 2024-06-17.

Conditions:
Inborn genetic diseases. Identifiers: MedGen C0950123, MeSH D030342.

Allele frequency attached by ClinVar (database versions not stated): ExAC 0.00001; gnomAD 0.00002; gnomAD exomes 0.00002; TOPMed 0.00004.
gnomAD v4.1: 27 of 1,613,814 alleles (0.0017%); highest among the groups gnomAD compares: Non-Finnish European, 0.0022%; no homozygotes.

Submissions (2):

Ambry Genetics
Classification: Uncertain significance for Inborn genetic diseases. Last evaluated: 2024-06-17. Review status: criteria provided, single submitter. Criteria: Ambry Variant Classification Scheme 2023. Collection method: clinical testing. Allele origin: germline.

Labcorp Genetics (formerly Invitae), Labcorp
Classification: Uncertain significance. Last evaluated: 2022-07-06. Review status: criteria provided, single submitter. Criteria: Invitae Variant Classification Sherloc (09022015). Collection method: clinical testing. Allele origin: germline.
Comment: This sequence change replaces serine, which is neutral and polar, with threonine, which is neutral and polar, at codon 468 of the SLC4A11 protein (p.Ser468Thr). This variant is present in population databases (rs761059922, gnomAD 0.004%). This variant has not been reported in the literature in individuals affected with SLC4A11-related conditions. ClinVar contains an entry for this variant (Variation ID: 1398933). Algorithms developed to predict the effect of missense changes on protein structure and function are either unavailable or do not agree on the potential impact of this missense change (SIFT: "Tolerated"; PolyPhen-2: "Probably Damaging"; Align-GVGD: "Class C0"). In summary, the available evidence is currently insufficient to determine the role of this variant in disease. Therefore, it has been classified as a Variant of Uncertain Significance.